The following is an entry in ClinVar:

NM_001174150.2(ARL13B):c.906_908dup (p.Gly302_Gln303insHis)

Gene: ARL13B (ARF like GTPase 13B; plus strand). Cytogenetic location: 3q11.2.
Variant type: Duplication.
Coding change: c.906_908dup on transcript NM_001174150.2 (MANE Select); coding-DNA positions 906 to 908, 3 bases duplicated (CCA; older notation c.906_908dupCCA).
Protein change: p.Gly302_Gln303insHis.
Molecular consequence: inframe insertion. On other transcripts: non-coding transcript variant (2).
Genome position (GRCh38, 1-based): chr3:94,043,122-94,043,124, CCA duplicated. VCF-style (leftmost placement, unchanged base first): chr3-94043121-G-GCCA. GRCh37 (hg19) VCF-style: chr3-93761965-G-GCCA.
Other names: c.597_599dup, p.Gly199_Gln200insHis (NM_001174151.2); c.861_863dup, p.Gly287_Gln288insHis (NM_001321328.2); c.585_587dup, p.Gly195_Gln196insHis (NM_144996.4); c.906_908dup, p.Gly302_Gln303insHis (NM_182896.3).
Identifiers: ClinVar variation 1496725 (VCV001496725.6), dbSNP rs1278628108, ClinGen allele CA545016923.

ClinVar aggregate classification (germline): Uncertain significance (1 of 4 stars; one submission).

Conditions:
Joubert syndrome 8 (JBTS8). Identifiers: Orphanet 475, MedGen C2676771, MONDO:0012855, OMIM 612291.

Allele frequency attached by ClinVar (database versions not stated): gnomAD exomes below 0.00001 and 0.00001.

Submission:

Labcorp Genetics (formerly Invitae), Labcorp
Classification: Uncertain significance for Joubert syndrome 8. Last evaluated: 2025-11-03. Review status: criteria provided, single submitter. Criteria: Invitae Variant Classification Sherloc (09022015). Collection method: clinical testing. Allele origin: germline.
Comment: This variant, c.906_908dup, results in the insertion of 1 amino acid(s) of the ARL13B protein (p.Gly302_Gln303insHis), but otherwise preserves the integrity of the reading frame. This variant is present in population databases (no rsID available, gnomAD 0.02%). This variant has not been reported in the literature in individuals affected with ARL13B-related conditions. ClinVar contains an entry for this variant (Variation ID: 1496725). Experimental studies and prediction algorithms are not available or were not evaluated, and the functional significance of this variant is currently unknown. In summary, the available evidence is currently insufficient to determine the role of this variant in disease. Therefore, it has been classified as a Variant of Uncertain Significance.